The following is an entry in ClinVar:

NM_005236.3(ERCC4):c.938dup (p.Arg314fs)

Gene: ERCC4 (ERCC excision repair 4, endonuclease catalytic subunit; plus strand). Cytogenetic location: 16p13.12.
Variant type: Duplication.
Coding change: c.938dup on transcript NM_005236.3 (MANE Select); coding-DNA position 938, one base duplicated (T; older notation c.938dupT).
Protein change: p.Arg314fs; shifts the reading frame from arginine 314.
Molecular consequence: frameshift variant.
Genome position (GRCh38, 1-based): chr16:13,930,855, T duplicated. VCF-style (leftmost placement, unchanged base first): chr16-13930854-C-CT. GRCh37 (hg19) VCF-style: chr16-14024711-C-CT.
Other names: short protein forms R314fs.
Identifiers: ClinVar variation 2931256 (VCV002931256.4), dbSNP rs780647908, ClinGen allele CA7910308.
Genomic context (GRCh38, chr16:13,930,854, plus strand): 5'-ACTTTGCTGCAGTATCTCTCTCAGTATGATTGTGTCACATTTCTTAATCTTCTGGAATCT[C>CT]TGAGAGCAACGGAAAAAGCTTTTGGTCAGAATTCAGGTGGGAGATTAAAATACTAATAAT-3'

ClinVar aggregate classification (germline): Pathogenic/Likely pathogenic. Review status: criteria provided, multiple submitters, no conflicts (2 of 4 stars). 2 submissions from 2 submitters: Pathogenic (1); Likely pathogenic (1). Last evaluated 2024-01-17.

Conditions:
XFE progeroid syndrome (XFEPS). Also called: XPF-ERCC1 PROGEROID SYNDROME. Identifiers: MedGen C1970416, MONDO:0012590, OMIM 610965.
Xeroderma pigmentosum, group F (XPF). Also called: ERCC4-Related Xeroderma Pigmentosum; XERODERMA PIGMENTOSUM, COMPLEMENTATION GROUP F; XERODERMA PIGMENTOSUM VI; XP, GROUP F; XERODERMA PIGMENTOSUM, TYPE F; Xeroderma pigmentosum, type 6. Identifiers: MedGen C0268140, MONDO:0010215, OMIM 278760.
Fanconi anemia complementation group Q. Identifiers: Orphanet 84, MedGen C3808988, MONDO:0014108, OMIM 615272.
Cockayne syndrome. Identifiers: Orphanet 191, MedGen C0009207, MONDO:0016006.

Allele frequency attached by ClinVar (database versions not stated): TOPMed below 0.00001; ExAC 0.00001.

Submissions (2):

Fulgent Genetics
Classification: Likely pathogenic for Xeroderma pigmentosum, group F; XFE progeroid syndrome; Fanconi anemia complementation group Q. Last evaluated: 2024-01-17. Review status: criteria provided, single submitter. Criteria: ACMG Guidelines, 2015. Collection method: clinical testing. Allele origin: germline.

Labcorp Genetics (formerly Invitae), Labcorp
Classification: Pathogenic for Fanconi anemia complementation group Q; Xeroderma pigmentosum, group F; Cockayne syndrome. Last evaluated: 2022-12-07. Review status: criteria provided, single submitter. Criteria: Invitae Variant Classification Sherloc (09022015). Collection method: clinical testing. Allele origin: germline.
Comment: For these reasons, this variant has been classified as Pathogenic. This variant has not been reported in the literature in individuals affected with ERCC4-related conditions. This variant is present in population databases (rs780647908, gnomAD 0.006%). This sequence change creates a premature translational stop signal (p.Arg314Glufs*17) in the ERCC4 gene. It is expected to result in an absent or disrupted protein product. Loss-of-function variants in ERCC4 are known to be pathogenic (PMID: 9580660).

Literature cited by the submitters: PubMed 9580660 (cited by Labcorp Genetics (formerly Invitae), Labcorp).